The following is an entry in ClinVar:

ClinVar aggregate classification (germline): Uncertain significance. Review status: criteria provided, multiple submitters, no conflicts (2 of 4 stars). 2 submissions from 2 submitters: Uncertain significance (2). Last evaluated 2025-09-08.

Conditions:
Inborn genetic diseases. Identifiers: MedGen C0950123, MeSH D030342.
Dyskeratosis congenita, autosomal recessive 6 (DKCB6). Identifiers: MedGen C4225356, MONDO:0014600, OMIM 616353.
Pulmonary fibrosis and/or bone marrow failure, Telomere-related, 4. Also called: PULMONARY FIBROSIS AND/OR BONE MARROW FAILURE SYNDROME, TELOMERE-RELATED, 4. Identifiers: Orphanet 2032, MedGen C4225347, MONDO:0014612, OMIM 616371.

Allele frequency attached by ClinVar (database versions not stated): gnomAD exomes 0.00001.
gnomAD v4.1: 7 of 1,600,730 alleles (0.00044%); highest among the groups gnomAD compares: Non-Finnish European, 0.0006%; no homozygotes.

Submissions (2):

Labcorp Genetics (formerly Invitae), Labcorp
Classification: Uncertain significance for Dyskeratosis congenita, autosomal recessive 6; Pulmonary fibrosis and/or bone marrow failure, Telomere-related, 4. Last evaluated: 2025-09-08. Review status: criteria provided, single submitter. Criteria: Invitae Variant Classification Sherloc (09022015). Collection method: clinical testing. Allele origin: germline.
Comment: This sequence change replaces glutamic acid, which is acidic and polar, with aspartic acid, which is acidic and polar, at codon 52 of the PARN protein (p.Glu52Asp). This variant is present in population databases (no rsID available, gnomAD 0.002%). This variant has not been reported in the literature in individuals affected with PARN-related conditions. ClinVar contains an entry for this variant (Variation ID: 2192285). Invitae Evidence Modeling of protein sequence and biophysical properties (such as structural, functional, and spatial information, amino acid conservation, physicochemical variation, residue mobility, and thermodynamic stability) indicates that this missense variant is not expected to disrupt PARN protein function with a negative predictive value of 80%. Algorithms developed to predict the effect of sequence changes on RNA splicing suggest that this variant may create or strengthen a splice site. In summary, the available evidence is currently insufficient to determine the role of this variant in disease. Therefore, it has been classified as a Variant of Uncertain Significance.

Ambry Genetics
Classification: Uncertain significance for Inborn genetic diseases. Last evaluated: 2022-12-19. Review status: criteria provided, single submitter. Criteria: Ambry Variant Classification Scheme 2023. Collection method: clinical testing. Allele origin: germline.

NM_002582.4(PARN):c.156G>C (p.Glu52Asp)

Gene: PARN (poly(A)-specific ribonuclease; minus strand). Cytogenetic location: 16p13.12.
Variant type: single nucleotide variant.
Coding change: c.156G>C on transcript NM_002582.4 (MANE Select); coding-DNA position 156, G replaced by C.
Protein change: p.Glu52Asp; replaces glutamic acid 52 with aspartic acid.
Molecular consequence: missense variant. On other transcripts: 5 prime UTR variant (1).
Genome position (GRCh38, 1-based): chr16:14,628,193, C>G on the plus strand (G>C on the coding strand, the complement: PARN is on the minus strand). VCF-style: chr16-14628193-C-G. GRCh37 (hg19) VCF-style: chr16-14722050-C-G.
Other names: c.-28G>C (NM_001134477.3); c.156G>C, p.Glu52Asp (NM_001242992.2); c.156G>C (NM_002582.3); short protein forms E52D.
Identifiers: ClinVar variation 2192285 (VCV002192285.5), dbSNP rs1485405965, ClinGen allele CA394816887.